The following is an entry in ClinVar:

ClinVar aggregate classification (germline): Uncertain significance (1 of 4 stars; one submission).

Allele frequency attached by ClinVar (database versions not stated): gnomAD exomes below 0.00001; TOPMed below 0.00001; ExAC 0.00001.
gnomAD v4.1: 5 of 1,611,754 alleles (0.00031%); highest among the groups gnomAD compares: Admixed American, 0.0017%; no homozygotes.

Submission:

Labcorp Genetics (formerly Invitae), Labcorp
Classification: Uncertain significance. Last evaluated: 2022-06-27. Review status: criteria provided, single submitter. Criteria: Invitae Variant Classification Sherloc (09022015). Collection method: clinical testing. Allele origin: germline.
Comment: This sequence change replaces asparagine, which is neutral and polar, with serine, which is neutral and polar, at codon 1159 of the ADGRV1 protein (p.Asn1159Ser). This variant is not present in population databases (gnomAD no frequency). This variant has not been reported in the literature in individuals affected with ADGRV1-related conditions. Algorithms developed to predict the effect of missense changes on protein structure and function are either unavailable or do not agree on the potential impact of this missense change (SIFT: "Deleterious"; PolyPhen-2: "Possibly Damaging"; Align-GVGD: "Class C0"). In summary, the available evidence is currently insufficient to determine the role of this variant in disease. Therefore, it has been classified as a Variant of Uncertain Significance.

NM_032119.4(ADGRV1):c.3476A>G (p.Asn1159Ser)

Gene: ADGRV1 (adhesion G protein-coupled receptor V1; plus strand). Cytogenetic location: 5q14.3.
Variant type: single nucleotide variant.
Coding change: c.3476A>G on transcript NM_032119.4 (MANE Select); coding-DNA position 3476, A replaced by G.
Protein change: p.Asn1159Ser; replaces asparagine 1159 with serine.
Molecular consequence: missense variant. On other transcripts: non-coding transcript variant (1).
Genome position (GRCh38, 1-based): chr5:90,652,405, A>G. VCF-style: chr5-90652405-A-G. GRCh37 (hg19) VCF-style: chr5-89948222-A-G.
Other names: short protein forms N1159S.
Identifiers: ClinVar variation 1503826 (VCV001503826.4), dbSNP rs773762267, ClinGen allele CA3339194.